The following is an entry in ClinVar:

ClinVar aggregate classification (germline): Likely benign (1 of 4 stars; one submission).

Conditions:
Familial cancer of breast. Also called: hereditary breast carcinoma; BREAST CANCER, FAMILIAL; Hereditary breast cancer. Identifiers: Orphanet 227535, MedGen C0346153, MONDO:0016419, OMIM 114480. Disease mechanism: loss of function.

Submission:

Myriad Genetics, Inc.
Classification: Likely benign for Familial cancer of breast. Last evaluated: 2024-06-07. Review status: criteria provided, single submitter. Criteria: Myriad Autosomal Dominant, Autosomal Recessive and X-Linked Classification Criteria (2023). Collection method: clinical testing. Allele origin: unknown.
Comment: This variant is considered likely benign. This variant is intronic and is not expected to impact mRNA splicing.

NM_000051.4(ATM):c.6572+4T>A

Genes: ATM (ATM serine/threonine kinase; plus strand), C11orf65 (chromosome 11 open reading frame 65; minus strand). Cytogenetic location: 11q22.3.
Variant type: single nucleotide variant.
Coding change: c.6572+4T>A on transcript NM_000051.4 (MANE Select); 4 bases into the intron after coding-DNA position 6572, T replaced by A.
Molecular consequence: intron variant.
Genome position (GRCh38, 1-based): chr11:108,321,424, T>A. VCF-style: chr11-108321424-T-A. GRCh37 (hg19) VCF-style: chr11-108192151-T-A.
Other names: c.6572+4T>A (NM_001351834.2); c.641-12353A>T (NM_001330368.2); c.*39-12353A>T (NM_001351110.2).
Identifiers: ClinVar variation 3253938 (VCV003253938.1), dbSNP rs587780636.
Genomic context (GRCh38, chr11:108,321,424, plus strand): 5'-ACTTAGCAGGTTGCAGGCCATTGGAGAGCTGGAAAGCATTGGGGAGCTTTTCTCAAGGTA[T>A]GTAATTCGTATGACTTTGTTATCCTAAAGTGCAGCTTTTCTGTTACCAATAGTGACTTTA-3'